The following is an entry in ClinVar:

NM_001034853.2(RPGR):c.529G>A (p.Val177Ile)

Gene: RPGR (retinitis pigmentosa GTPase regulator; minus strand). Cytogenetic location: Xp11.4.
Variant type: single nucleotide variant.
Coding change: c.529G>A on transcript NM_001034853.2 (MANE Select); coding-DNA position 529, G replaced by A.
Protein change: p.Val177Ile; replaces valine 177 with isoleucine.
Molecular consequence: missense variant. On other transcripts: non-coding transcript variant (5).
Genome position (GRCh38, 1-based): chrX:38,317,406, C>T on the plus strand (G>A on the coding strand, the complement: RPGR is on the minus strand). VCF-style: chrX-38317406-C-T. GRCh37 (hg19) VCF-style: chrX-38176659-C-T.
Other names: NM_001034853.2(RPGR):c.529G>A; p.Val177Ile; c.529G>A, p.Val177Ile (NM_000328.3, NM_001367245.1, NM_001367246.1 and 3 more transcripts); c.559G>A, p.Val187Ile (NM_001367248.1); c.526G>A, p.Val176Ile (NM_001367249.1); c.529G>A (NM_000328.2); short protein forms V187I, V176I, V177I.
Identifiers: ClinVar variation 2787059 (VCV002787059.5), dbSNP rs751501198, ClinGen allele CA10385635.

ClinVar aggregate classification (germline): Uncertain significance. Review status: reviewed by expert panel (3 of 4 stars). 3 submissions from 3 submitters: Uncertain significance (1). 2 of the submissions do not count toward it. Last evaluated 2025-09-07.

Conditions:
RPGR-related retinopathy. Also called: RPGR retinopathy. Identifiers: MedGen CN305589, MONDO:0100437.
Primary ciliary dyskinesia. Also called: Ciliary dyskinesia. Identifiers: Orphanet 244, MedGen C0008780, MONDO:0016575, HP:0012265.

Allele frequency attached by ClinVar (database versions not stated): gnomAD exomes below 0.00001; ExAC 0.00001.

Submissions (3):

ClinGen X-linked Inherited Retinal Disease Variant Curation Expert Panel, ClinGen
Classification: Uncertain significance for RPGR-related retinopathy. Last evaluated: 2025-09-07. Review status: reviewed by expert panel. Criteria: ClinGen X LinkedIRD ACMG Specifications RPGR V1.0.0. Collection method: curation. Allele origin: germline. Inheritance: X-linked inheritance.
Comment: NM_001034853.2(RPGR):c.529G>A (p.Val177Ile) is a missense variant causing substitution of valine by Isoleucine at amino acid 177. This variant is absent from gnomAD v4.1.0 (PM2_Supporting). The computational predictor REVEL gives a score of 0.245, which is below the ClinGen X-linked IRD VCEP threshold of <0.290 and predicts a non-damaging effect on RPGR function. However, the splicing impact predictor SpliceAI gives a delta score of 0.73 for donor loss, which is above the ClinGen X-linked IRD VCEP recommended threshold of >0.2 and predicts an impact on RPGR splicing (PP3). In summary, this variant is classified as a variant of uncertain significance for RPGR-related retinopathy based on the ClinGen X-linked Inherited Retinal Disease Expert Panel Specifications to the ACMG/AMP Variant Interpretation Guidelines for RPGR Version 1.0.0; PM2_Supporting and PP3.

Labcorp Genetics (formerly Invitae), Labcorp
Classification: Likely benign for Primary ciliary dyskinesia. Last evaluated: 2024-10-28. Review status: criteria provided, single submitter. Criteria: Invitae Variant Classification Sherloc (09022015). Collection method: clinical testing. Allele origin: germline. Not counted in ClinVar's aggregate classification.

Ambry Genetics
Classification: Likely benign for Primary ciliary dyskinesia. Last evaluated: 2024-03-06. Review status: criteria provided, single submitter. Criteria: Ambry Variant Classification Scheme 2023. Collection method: clinical testing. Allele origin: germline. Not counted in ClinVar's aggregate classification.